The following is an entry in ClinVar:

ClinVar aggregate classification (germline): Conflicting classifications of pathogenicity. Review status: criteria provided, conflicting classifications (1 of 4 stars). 3 submissions from 3 submitters: Uncertain significance (1); Likely benign (1). 1 of the submissions does not count toward it. Last evaluated 2025-10-26.

Conditions:
Glycine encephalopathy. Also called: Non-ketotic hyperglycinemia; Nonketotic hyperglycinemia. Identifiers: Orphanet 407, MedGen C0751748, MONDO:0011612, HP:0008288.

Allele frequency attached by ClinVar (database versions not stated): gnomAD 0.00001; gnomAD exomes 0.00002 and 0.00009; TOPMed 0.00004; ExAC 0.00007.
gnomAD v4.1: 32 of 1,613,762 alleles (0.002%); highest among the groups gnomAD compares: East Asian, 0.051%; no homozygotes.

Submissions (3):

Labcorp Genetics (formerly Invitae), Labcorp
Classification: Likely benign for Glycine encephalopathy. Last evaluated: 2025-10-26. Review status: criteria provided, single submitter. Criteria: Invitae Variant Classification Sherloc (09022015). Collection method: clinical testing. Allele origin: germline.

GeneDx
Classification: Uncertain significance. Last evaluated: 2025-08-01. Review status: criteria provided, single submitter. Criteria: GeneDx Variant Classification Process June 2021. Collection method: clinical testing. Allele origin: germline. Affected: yes.
Comment: In silico analysis suggests that this missense variant does not alter protein structure/function; Has not been previously published as pathogenic or benign to our knowledge

Natera, Inc.
Classification: Uncertain significance for Non-ketotic hyperglycinemia. Last evaluated: 2020-07-10. Review status: no assertion criteria provided. Collection method: clinical testing. Allele origin: germline. Not counted in ClinVar's aggregate classification.

NM_000170.3(GLDC):c.1367G>A (p.Arg456Gln)

Gene: GLDC (glycine decarboxylase; minus strand). Cytogenetic location: 9p24.1.
Variant type: single nucleotide variant.
Coding change: c.1367G>A on transcript NM_000170.3 (MANE Select); coding-DNA position 1367, G replaced by A.
Protein change: p.Arg456Gln; replaces arginine 456 with glutamine.
Molecular consequence: missense variant.
Genome position (GRCh38, 1-based): chr9:6,592,885, C>T on the plus strand (G>A on the coding strand, the complement: GLDC is on the minus strand). VCF-style: chr9-6592885-C-T. GRCh37 (hg19) VCF-style: chr9-6592885-C-T.
Other names: c.1367G>A (NM_000170.2); short protein forms R456Q.
Identifiers: ClinVar variation 989574 (VCV000989574.11), dbSNP rs767652664, ClinGen allele CA4980747.